The following is an entry in ClinVar:

ClinVar aggregate classification (germline): Uncertain significance (1 of 4 stars; one submission).

Allele frequency attached by ClinVar (database versions not stated): TOPMed 0.00002; ExAC 0.00001; gnomAD exomes 0.00001.
gnomAD v4.1: 5 of 1,613,098 alleles (0.00031%); highest among the groups gnomAD compares: Admixed American, 0.0067%; no homozygotes.

Submission:

Labcorp Genetics (formerly Invitae), Labcorp
Classification: Uncertain significance. Last evaluated: 2024-02-24. Review status: criteria provided, single submitter. Criteria: Invitae Variant Classification Sherloc (09022015). Collection method: clinical testing. Allele origin: germline.
Comment: This sequence change falls in intron 5 of the SLC1A2 gene. It does not directly change the encoded amino acid sequence of the SLC1A2 protein. It affects a nucleotide within the consensus splice site. This variant is present in population databases (rs758693027, gnomAD 0.009%). This variant has not been reported in the literature in individuals affected with SLC1A2-related conditions. ClinVar contains an entry for this variant (Variation ID: 1399515). Variants that disrupt the consensus splice site are a relatively common cause of aberrant splicing (PMID: 17576681, 9536098). Algorithms developed to predict the effect of sequence changes on RNA splicing suggest that this variant is not likely to affect RNA splicing. In summary, the available evidence is currently insufficient to determine the role of this variant in disease. Therefore, it has been classified as a Variant of Uncertain Significance.

Literature cited by the submitters: PubMed 17576681; PubMed 9536098.

NM_004171.4(SLC1A2):c.730+3A>G

Gene: SLC1A2 (solute carrier family 1 member 2; minus strand). Cytogenetic location: 11p13.
Variant type: single nucleotide variant.
Coding change: c.730+3A>G on transcript NM_004171.4 (MANE Select); 3 bases into the intron after coding-DNA position 730, A replaced by G.
Molecular consequence: intron variant.
Genome position (GRCh38, 1-based): chr11:35,306,071, T>C on the plus strand (A>G on the coding strand, the complement: SLC1A2 is on the minus strand). VCF-style: chr11-35306071-T-C. GRCh37 (hg19) VCF-style: chr11-35327618-T-C.
Other names: c.703+3A>G (NM_001195728.3, NM_001252652.2).
Identifiers: ClinVar variation 1399515 (VCV001399515.6), dbSNP rs758693027, ClinGen allele CA5947248.
Genomic context (GRCh38, chr11:35,306,071, plus strand): 5'-GGGAGTGCAGGATAGCCCAGCCATTGCCAGGGAAGCAGAATCCCGGACCACCAGCTGGCC[T>C]ACCTAAGACGTTCATCCCATCCTTGAACTCCAGGCCCTTCTTGATAACCATCTTAGTCTC-3'